The following is an entry in ClinVar:

ClinVar aggregate classification (germline): Pathogenic/Likely pathogenic. Review status: criteria provided, multiple submitters, no conflicts (2 of 4 stars). 3 submissions from 3 submitters: Pathogenic (2); Likely pathogenic (1). Last evaluated 2023-08-30.

Conditions:
Familial adenomatous polyposis 4 (FAP4). Also called: MSH3-related attenuated familial adenomatous polyposis. Identifiers: Orphanet 480536, MedGen C4310719, MONDO:0044300, OMIM 617100.
Endometrial carcinoma. Also called: Endometrial carcinoma, somatic. Identifiers: MedGen C0476089, MONDO:0002447, OMIM 608089, HP:0012114.

Allele frequency attached by ClinVar (database versions not stated): gnomAD exomes below 0.00001.
gnomAD v4.1: 1 of 1,576,984 alleles (0.000063%); highest among the groups gnomAD compares: Middle Eastern, 0.017%; no homozygotes.

Submissions (3):

Myriad Genetics, Inc.
Classification: Pathogenic for Familial adenomatous polyposis 4. Last evaluated: 2023-08-30. Review status: criteria provided, single submitter. Criteria: Myriad Autosomal Dominant, Autosomal Recessive and X-Linked Classification Criteria (2023). Collection method: clinical testing. Allele origin: unknown.
Comment: This variant is considered pathogenic. This variant creates a termination codon and is predicted to result in premature protein truncation.

Baylor Genetics
Classification: Likely pathogenic for Endometrial carcinoma. Last evaluated: 2022-11-08. Review status: criteria provided, single submitter. Criteria: ACMG Guidelines, 2015. Collection method: clinical testing. Allele origin: unknown.

Labcorp Genetics (formerly Invitae), Labcorp
Classification: Pathogenic. Last evaluated: 2022-03-08. Review status: criteria provided, single submitter. Criteria: Invitae Variant Classification Sherloc (09022015). Collection method: clinical testing. Allele origin: germline.
Comment: For these reasons, this variant has been classified as Pathogenic. ClinVar contains an entry for this variant (Variation ID: 836979). This variant has not been reported in the literature in individuals affected with MSH3-related conditions. This variant is not present in population databases (gnomAD no frequency). This sequence change creates a premature translational stop signal (p.Trp807*) in the MSH3 gene. It is expected to result in an absent or disrupted protein product. Loss-of-function variants in MSH3 are known to be pathogenic (PMID: 27476653).

Literature cited by the submitters: PubMed 27476653 (cited by Labcorp Genetics (formerly Invitae), Labcorp).

NM_002439.5(MSH3):c.2421G>A (p.Trp807Ter)

Gene: MSH3 (mutS homolog 3; plus strand). Cytogenetic location: 5q14.1.
Variant type: single nucleotide variant.
Coding change: c.2421G>A on transcript NM_002439.5 (MANE Select); coding-DNA position 2421, G replaced by A.
Protein change: p.Trp807Ter; replaces tryptophan 807 with a stop codon.
Molecular consequence: nonsense.
Genome position (GRCh38, 1-based): chr5:80,778,822, G>A. VCF-style: chr5-80778822-G-A. GRCh37 (hg19) VCF-style: chr5-80074641-G-A.
Other names: short protein forms W807*.
Identifiers: ClinVar variation 836979 (VCV000836979.11), dbSNP rs1744356274, ClinGen allele CA360281912.
Genomic context (GRCh38, chr5:80,778,822, plus strand): 5'-AAATTACAGACATCTGAATCAGCTCCGGGAGCAGCTAGTCCTTGACTGCAGTGCTGAATG[G>A]CTTGATTTTCTAGAGTGAGTTTACAATGAAAAAATATAATCTGACTTTTTGCTATCAGAA-3'